The following is an entry in ClinVar:

NM_213599.3(ANO5):c.1342C>T (p.Pro448Ser)

Gene: ANO5 (anoctamin 5; plus strand). Cytogenetic location: 11p14.3.
Variant type: single nucleotide variant.
Coding change: c.1342C>T on transcript NM_213599.3 (MANE Select); coding-DNA position 1342, C replaced by T.
Protein change: p.Pro448Ser; replaces proline 448 with serine.
Molecular consequence: missense variant.
Genome position (GRCh38, 1-based): chr11:22,257,689, C>T. VCF-style: chr11-22257689-C-T. GRCh37 (hg19) VCF-style: chr11-22279235-C-T.
Other names: c.1339C>T, p.Pro447Ser (NM_001142649.2); c.1300C>T, p.Pro434Ser (NM_001410963.1); c.1297C>T, p.Pro433Ser (NM_001410964.1); short protein forms P433S, P434S, P447S, P448S.
Identifiers: ClinVar variation 2641688 (VCV002641688.24), dbSNP rs1159530392, ClinGen allele CA379921733.

ClinVar aggregate classification (germline): Uncertain significance (1 of 4 stars; one submission).

Allele frequency attached by ClinVar (database versions not stated): TOPMed below 0.00001.

Submission:

CeGaT Center for Human Genetics Tuebingen
Classification: Uncertain significance. Last evaluated: 2022-11-01. Review status: criteria provided, single submitter. Criteria: CeGaT Center For Human Genetics Tuebingen Variant Classification Criteria Version 2. Collection method: clinical testing. Allele origin: germline. Affected: yes. Observed: 1 variant allele.
Comment: ANO5: PM2, BP4